The following is an entry in ClinVar:

NM_032119.4(ADGRV1):c.358-216A>G

Gene: ADGRV1 (adhesion G protein-coupled receptor V1; plus strand). Cytogenetic location: 5q14.3.
Variant type: single nucleotide variant.
Coding change: c.358-216A>G on transcript NM_032119.4 (MANE Select); 216 bases into the intron before coding-DNA position 358, A replaced by G.
Molecular consequence: intron variant.
Genome position (GRCh38, 1-based): chr5:90,618,870, A>G. VCF-style: chr5-90618870-A-G. GRCh37 (hg19) VCF-style: chr5-89914687-A-G.
Identifiers: ClinVar variation 678819 (VCV000678819.1), dbSNP rs1673379, ClinGen allele CA121808343.

ClinVar aggregate classification (germline): Benign (1 of 4 stars; one submission).

Allele frequency attached by ClinVar (database versions not stated): 1000 Genomes Project 0.26997; 1000 Genomes Project 30x 0.27670; TOPMed 0.31655; gnomAD 0.32018 and 0.32507.
gnomAD v4.1: 48,496 of 151,652 alleles (32%); highest among the groups gnomAD compares: African/African-American, 36%; 7,988 homozygotes.

Submission:

GeneDx
Classification: Benign. Last evaluated: 2018-06-14. Review status: criteria provided, single submitter. Criteria: GeneDx Variant Classification (06012015). Collection method: clinical testing. Allele origin: germline. Affected: yes.
Comment: This variant is considered likely benign or benign based on one or more of the following criteria: it is a conservative change, it occurs at a poorly conserved position in the protein, it is predicted to be benign by multiple in silico algorithms, and/or has population frequency not consistent with disease.